The following is an entry in ClinVar:

ClinVar aggregate classification (germline): Uncertain significance (0 of 4 stars; one submission).

Conditions:
VEGFA-related disorder. Also called: VEGFA-related condition.

Allele frequency attached by ClinVar (database versions not stated): TOPMed below 0.00001.

Submission:

PreventionGenetics, part of Exact Sciences
Classification: Uncertain significance for VEGFA-related condition. Last evaluated: 2024-02-13. Review status: no assertion criteria provided. Collection method: clinical testing. Allele origin: germline.
Comment: The VEGFA c.1205A>G variant is predicted to result in the amino acid substitution p.Glu402Gly. To our knowledge, this variant has not been reported in the literature or in a large population database, indicating this variant is rare. At this time, the clinical significance of this variant is uncertain due to the absence of conclusive functional and genetic evidence.

NM_003376.6(VEGFA):c.1154A>G (p.Glu385Gly)

Gene: VEGFA (vascular endothelial growth factor A; plus strand). Cytogenetic location: 6p21.1.
Variant type: single nucleotide variant.
Coding change: c.1154A>G on transcript NM_003376.6 (MANE Select); coding-DNA position 1154, A replaced by G.
Protein change: p.Glu385Gly; replaces glutamic acid 385 with glycine.
Molecular consequence: missense variant. On other transcripts: intron variant (8).
Genome position (GRCh38, 1-based): chr6:43,782,075, A>G. VCF-style: chr6-43782075-A-G. GRCh37 (hg19) VCF-style: chr6-43749812-A-G.
Other names: c.1205A>G, p.Glu402Gly (NM_001025366.3); c.1136A>G, p.Glu379Gly (NM_001025367.3); c.1082A>G, p.Glu361Gly (NM_001025368.3, NM_001033756.3); c.665A>G, p.Glu222Gly (NM_001171623.2); c.614A>G, p.Glu205Gly (NM_001171624.2); c.596A>G, p.Glu199Gly (NM_001171625.2); c.542A>G, p.Glu181Gly (NM_001171626.2, NM_001171629.2, NM_001317010.2); c.458A>G, p.Glu153Gly (NM_001287044.2); and 8 more; short protein forms E153G, E181G, E199G, E205G, E222G, E361G, E379G, E385G.
Identifiers: ClinVar variation 3061283 (VCV003061283.2), dbSNP rs1767980957, ClinGen allele CA364293888.
Genomic context (GRCh38, chr6:43,782,075, plus strand): 5'-GTAAATGTTCCTGCAAAAACACAGACTCGCGTTGCAAGGCGAGGCAGCTTGAGTTAAACG[A>G]ACGTACTTGCAGGTTGGTTCCCAGAGGGCAAGCAAGTCAGAGAGGGGCATCACACAGAGA-3'
Protein context (NP_003367.4, residues 375-395): RCKARQLELN[Glu385Gly]RTCRCDKPRR